The following is an entry in ClinVar:

ClinVar aggregate classification (germline): Pathogenic/Likely pathogenic. Review status: criteria provided, multiple submitters, no conflicts (2 of 4 stars). 3 submissions from 3 submitters: Pathogenic (1); Likely pathogenic (2). Last evaluated 2025-11-03.

Conditions:
CEP164-related disorder. Also called: CEP164-related condition.
Nephronophthisis 15 (NPHP15). Identifiers: Orphanet 3156, MedGen C3541853, MONDO:0013917, OMIM 614845.

Submissions (3):

Labcorp Genetics (formerly Invitae), Labcorp
Classification: Pathogenic for Nephronophthisis 15. Last evaluated: 2025-11-03. Review status: criteria provided, single submitter. Criteria: Invitae Variant Classification Sherloc (09022015). Collection method: clinical testing. Allele origin: germline.
Comment: This sequence change creates a premature translational stop signal (p.Glu846Glyfs*10) in the CEP164 gene. It is expected to result in an absent or disrupted protein product. Loss-of-function variants in CEP164 are known to be pathogenic (PMID: 22863007, 28125082, 32367404, 34132027, 34499853). This variant is not present in population databases (gnomAD no frequency). This premature translational stop signal has been observed in individual(s) with oral-facial-digital syndromes (PMID: 34132027). ClinVar contains an entry for this variant (Variation ID: 1930533). Algorithms developed to predict the effect of sequence changes on RNA splicing suggest that this variant may disrupt the consensus splice site. For these reasons, this variant has been classified as Pathogenic.

PreventionGenetics, part of Exact Sciences
Classification: Likely pathogenic for CEP164-related condition. Last evaluated: 2025-10-13. Review status: criteria provided, single submitter. Criteria: ACMG Guidelines, 2015. Collection method: clinical testing. Allele origin: germline.
Comment: The CEP164 c.2535_2536dupGG variant is predicted to result in a frameshift and premature protein termination (p.Glu846Glyfs*10). This variant has been reported in the compound heterozygous state in an individual with oral-facial-digital syndrome (Strong et al. 2021. PubMed ID: 34132027). This variant is not present in a large population database, indicating this variant is rare. Frameshift variants in CEP164 are expected to be pathogenic. This variant is interpreted as likely pathogenic.

Fulgent Genetics
Classification: Likely pathogenic for Nephronophthisis 15. Last evaluated: 2024-01-03. Review status: criteria provided, single submitter. Criteria: ACMG Guidelines, 2015. Collection method: clinical testing. Allele origin: germline.

Literature cited by the submitters: PubMed 22863007 (cited by Labcorp Genetics (formerly Invitae), Labcorp); PubMed 28125082 (cited by Labcorp Genetics (formerly Invitae), Labcorp); PubMed 32367404 (cited by Labcorp Genetics (formerly Invitae), Labcorp); PubMed 34132027 (cited by Labcorp Genetics (formerly Invitae), Labcorp); PubMed 34499853 (cited by Labcorp Genetics (formerly Invitae), Labcorp).

NM_014956.5(CEP164):c.2535_2536dup (p.Glu846fs)

Gene: CEP164 (centrosomal protein 164; plus strand). Cytogenetic location: 11q23.3.
Variant type: Duplication.
Coding change: c.2535_2536dup on transcript NM_014956.5 (MANE Select); coding-DNA positions 2535 to 2536, 2 bases duplicated (GG; older notation c.2535_2536dupGG).
Protein change: p.Glu846fs; shifts the reading frame from glutamic acid 846.
Molecular consequence: frameshift variant.
Genome position (GRCh38, 1-based): chr11:117,393,045-117,393,046, GG duplicated; duplicating any 2 consecutive bases within chr11:117,393,043-117,393,046 gives the same sequence; the c. name uses the placement nearest the transcript's 3' end. VCF-style (leftmost placement, unchanged base first): chr11-117393042-A-AGG. GRCh37 (hg19) VCF-style: chr11-117263758-A-AGG.
Other names: c.2544_2545dup, p.Glu849fs (NM_001271933.2); c.2535_2536dupGG (NM_014956.4); short protein forms E846fs, E849fs.
Identifiers: ClinVar variation 1930533 (VCV001930533.8), dbSNP rs2044893024, ClinGen allele CA942662030.